The following is an entry in ClinVar:

ClinVar aggregate classification (germline): Uncertain significance (1 of 4 stars; one submission).

Conditions:
Hereditary cancer-predisposing syndrome. Also called: Tumor predisposition; Hereditary neoplastic syndrome; Hereditary Cancer Syndrome; Neoplastic Syndromes, Hereditary. Identifiers: Orphanet 140162, MedGen C0027672, MeSH D009386, MONDO:0015356.

Allele frequency attached by ClinVar (database versions not stated): TOPMed below 0.00001; gnomAD 0.00001.
gnomAD v4.1: 1 of 1,612,666 alleles (0.000062%); highest among the groups gnomAD compares: African/African-American, 0.0013%; no homozygotes.

Submission:

Ambry Genetics
Classification: Uncertain significance for Hereditary cancer-predisposing syndrome. Last evaluated: 2023-11-15. Review status: criteria provided, single submitter. Criteria: Ambry Variant Classification Scheme 2023. Collection method: clinical testing. Allele origin: germline.
Comment: The p.A53V variant (also known as c.158C>T), located in coding exon 2 of the EPCAM gene, results from a C to T substitution at nucleotide position 158. The alanine at codon 53 is replaced by valine, an amino acid with similar properties. This amino acid position is conserved. In addition, this alteration is predicted to be tolerated by in silico analysis. Since supporting evidence is limited at this time, the clinical significance of this alteration remains unclear.

NM_002354.3(EPCAM):c.158C>T (p.Ala53Val)

Gene: EPCAM (epithelial cell adhesion molecule; plus strand). Cytogenetic location: 2p21.
Variant type: single nucleotide variant.
Coding change: c.158C>T on transcript NM_002354.3 (MANE Select); coding-DNA position 158, C replaced by T.
Protein change: p.Ala53Val; replaces alanine 53 with valine.
Molecular consequence: missense variant.
Genome position (GRCh38, 1-based): chr2:47,373,544, C>T. VCF-style: chr2-47373544-C-T. GRCh37 (hg19) VCF-style: chr2-47600683-C-T.
Other names: short protein forms A53V.
Identifiers: ClinVar variation 3222085 (VCV003222085.1), dbSNP rs1671339183, ClinGen allele CA346722617.